The following is an entry in ClinVar:

ClinVar aggregate classification (germline): Uncertain significance (1 of 4 stars; one submission).

Allele frequency attached by ClinVar (database versions not stated): gnomAD 0.00001; TOPMed 0.00001; gnomAD exomes 0.00004 and 0.00008; ExAC 0.00011.

Submission:

Labcorp Genetics (formerly Invitae), Labcorp
Classification: Uncertain significance. Last evaluated: 2022-03-11. Review status: criteria provided, single submitter. Criteria: Invitae Variant Classification Sherloc (09022015). Collection method: clinical testing. Allele origin: germline.
Comment: This sequence change replaces threonine, which is neutral and polar, with isoleucine, which is neutral and non-polar, at codon 256 of the SLC24A1 protein (p.Thr256Ile). This variant is present in population databases (rs777796785, gnomAD 0.01%). This variant has not been reported in the literature in individuals affected with SLC24A1-related conditions. ClinVar contains an entry for this variant (Variation ID: 1055560). Algorithms developed to predict the effect of missense changes on protein structure and function are either unavailable or do not agree on the potential impact of this missense change (SIFT: "Deleterious"; PolyPhen-2: "Possibly Damaging"; Align-GVGD: "Class C0"). In summary, the available evidence is currently insufficient to determine the role of this variant in disease. Therefore, it has been classified as a Variant of Uncertain Significance.

NM_004727.3(SLC24A1):c.767C>T (p.Thr256Ile)

Gene: SLC24A1 (solute carrier family 24 member 1; plus strand). Cytogenetic location: 15q22.31.
Variant type: single nucleotide variant.
Coding change: c.767C>T on transcript NM_004727.3 (MANE Select); coding-DNA position 767, C replaced by T.
Protein change: p.Thr256Ile; replaces threonine 256 with isoleucine.
Molecular consequence: missense variant.
Genome position (GRCh38, 1-based): chr15:65,624,847, C>T. VCF-style: chr15-65624847-C-T. GRCh37 (hg19) VCF-style: chr15-65917185-C-T.
Other names: c.767C>T, p.Thr256Ile (NM_001301031.1, NM_001301032.1, NM_001301033.2); short protein forms T256I.
Identifiers: ClinVar variation 1055560 (VCV001055560.7), dbSNP rs777796785, ClinGen allele CA7619802.
Genomic context (GRCh38, chr15:65,624,847, plus strand): 5'-CTCTTAAGAGAATAATGGAGGAAACCACCCCAACCACTCTCAAGGGAATGTTTGATAGCA[C>T]CCCAACTTTTCTGACACATGAGGTAGAAGCAAACGTCTTGACTTCTCCAAGGAGCGTCAT-3'
Protein context (NP_004718.1, residues 246-266): PTTLKGMFDS[Thr256Ile]PTFLTHEVEA